The following is an entry in ClinVar:

ClinVar aggregate classification (germline): Pathogenic/Likely pathogenic. Review status: criteria provided, multiple submitters, no conflicts (2 of 4 stars). 4 submissions from 4 submitters: Pathogenic (2); Likely pathogenic (1). 1 of the submissions does not count toward it. Last evaluated 2024-09-13.

Conditions:
CDKL5 disorder. Identifiers: MedGen CN296942, MONDO:0100039.
Developmental and epileptic encephalopathy, 2 (DEE2). Also called: INFANTILE SPASM SYNDROME, X-LINKED 2; CDKL5 deficiency disorder. Identifiers: Orphanet 1934, Orphanet 3451, Orphanet 505652, MedGen C4750718, MONDO:0010396, OMIM 300672.

Submissions (4):

Centre for Population Genomics, CPG
Classification: Likely pathogenic for CDKL5 disorder. Last evaluated: 2024-09-13. Review status: criteria provided, single submitter. Criteria: McKnight et al. (Hum Mutat. 2022). Collection method: curation. Allele origin: germline. Inheritance: X-linked inheritance.
Comment: This variant has been collected from RettBASE and curated to current modified ACMG/AMP criteria. Based on the classification scheme defined by the ClinGen Rett/Angelman-like Expert Panel for Rett/AS-like Disorders Specifications to the ACMG/AMP Variant Interpretation Guidelines VCEP 3.0, this variant is classified as likely pathogenic. At least the following criteria are met: Predicted to result in loss of function, and LOF is a known mechanism of disease (PVS1). This variant is absent from gnomAD (PM2_Supporting).

Clinical Genetics Laboratory, Skane University Hospital Lund
Classification: Pathogenic. Last evaluated: 2022-05-27. Review status: criteria provided, single submitter. Criteria: ACMG Guidelines, 2015. Collection method: clinical testing. Allele origin: germline. Affected: yes.

Genetic Services Laboratory, University of Chicago
Classification: Pathogenic for Epileptic encephalopathy, early infantile, 2. Last evaluated: 2013-02-08. Review status: criteria provided, single submitter. Criteria: ACMG Guidelines, 2007. Collection method: clinical testing. Allele origin: germline. Inheritance: X-linked inheritance. Affected: yes.

RettBASE
Classification: Pathogenic. Last evaluated: 2011-02-15. Review status: no assertion criteria provided. Collection method: research. Allele origin: unknown. Not counted in ClinVar's aggregate classification.

NM_001323289.2(CDKL5):c.1954C>T (p.Gln652Ter)

Gene: CDKL5 (cyclin dependent kinase like 5; plus strand). Cytogenetic location: Xp22.13.
Variant type: single nucleotide variant.
Coding change: c.1954C>T on transcript NM_001323289.2 (MANE Select); coding-DNA position 1954, C replaced by T.
Protein change: p.Gln652Ter; replaces glutamine 652 with a stop codon.
Molecular consequence: nonsense.
Genome position (GRCh38, 1-based): chrX:18,608,820, C>T. VCF-style: chrX-18608820-C-T. GRCh37 (hg19) VCF-style: chrX-18626940-C-T.
Other names: NM_001323289.2(CDKL5):c.1954C>T; p.Gln652Ter; c.1954C>T, p.Gln652Ter (NM_001037343.2, NM_003159.3); short protein forms Q652*.
Identifiers: ClinVar variation 143790 (VCV000143790.8), dbSNP rs267608647, ClinGen allele CA171621.